The following is an entry in ClinVar:

NM_001077365.2(POMT1):c.1724_1725del (p.Ile575fs)

Gene: POMT1 (protein O-mannosyltransferase 1; plus strand). Cytogenetic location: 9q34.13.
Variant type: Deletion.
Coding change: c.1724_1725del on transcript NM_001077365.2 (MANE Select); coding-DNA positions 1724 to 1725, 2 bases deleted (TA; older notation c.1724_1725delTA).
Protein change: p.Ile575fs; shifts the reading frame from isoleucine 575.
Molecular consequence: frameshift variant. On other transcripts: non-coding transcript variant (10).
Genome position (GRCh38, 1-based): chr9:131,521,371-131,521,372, TA deleted; deleting any 2 consecutive bases within chr9:131,521,370-131,521,372 gives the same sequence; the c. name uses the placement nearest the transcript's 3' end. VCF-style (leftmost placement, unchanged base first): chr9-131521369-CAT-C. GRCh37 (hg19) VCF-style: chr9-134396756-CAT-C.
Other names: c.1562_1563del, p.Ile521fs (NM_001077366.2, NM_001353194.2); c.1724_1725del, p.Ile575fs (NM_001136113.2); c.1373_1374del, p.Ile458fs (NM_001136114.2, NM_001353195.2, NM_001374691.1 and 2 more transcripts); c.1790_1791del, p.Ile597fs (NM_001353193.2, NM_007171.4); c.1634_1635del, p.Ile545fs (NM_001353196.2); c.1628_1629del, p.Ile543fs (NM_001353197.2, NM_001353198.2); c.1439_1440del, p.Ile480fs (NM_001353199.2); c.1268_1269del, p.Ile423fs (NM_001353200.2); and 5 more; short protein forms I198fs, I423fs, I445fs, I458fs, I480fs, I502fs, I521fs, I543fs.
Identifiers: ClinVar variation 2678010 (VCV002678010.9), dbSNP rs778373035, ClinGen allele CA5293803.

ClinVar aggregate classification (germline): Pathogenic/Likely pathogenic. Review status: criteria provided, multiple submitters, no conflicts (2 of 4 stars). 5 submissions from 5 submitters: Pathogenic (4); Likely pathogenic (1). Last evaluated 2025-02-20.

Conditions:
Muscular dystrophy-dystroglycanopathy (congenital with brain and eye anomalies), type A1 (MDDGA1). Also called: COD-MD SYNDROME; Muscular dystrophy-dystroglycanopathy (congenital with brain and eye anomalies), type A, 1; WALKER-WARBURG SYNDROME OR MUSCLE-EYE-BRAIN DISEASE, POMT1-RELATED; Hydrocephalus, agyria and retinal dysplasia; Hard +/- E syndrome; Warburg syndrome. Identifiers: Orphanet 588, Orphanet 899, MedGen C4284790, MONDO:0009364, OMIM 236670.
Muscular dystrophy-dystroglycanopathy (congenital with impaired intellectual development), type B, 1. Also called: MUSCULAR DYSTROPHY, CONGENITAL, POMT1-RELATED; Muscular dystrophy-dystroglycanopathy (congenital with intellectual disability), type B1. Identifiers: MedGen C5436962, MONDO:0013159, OMIM 613155.
Autosomal recessive limb-girdle muscular dystrophy type 2K. Also called: MUSCULAR DYSTROPHY-DYSTROGLYCANOPATHY (LIMB-GIRDLE), TYPE C, 1; MUSCULAR DYSTROPHY, LIMB-GIRDLE, TYPE 2K. Identifiers: Orphanet 86812, MedGen C1836373, MONDO:0012248, OMIM 609308.
Walker-Warburg congenital muscular dystrophy. Also called: Muscular dystrophy-dystroglycanopathy, type A; Walker-Warburg syndrome. Identifiers: Orphanet 899, MedGen C0265221, MONDO:0000171.
POMT1-related disorder. Also called: POMT1-related condition; POMT1-related disorders.

Submissions (5):

Labcorp Genetics (formerly Invitae), Labcorp
Classification: Pathogenic for Muscular dystrophy-dystroglycanopathy (congenital with impaired intellectual development), type B, 1; Walker-Warburg congenital muscular dystrophy; Autosomal recessive limb-girdle muscular dystrophy type 2K. Last evaluated: 2025-02-20. Review status: criteria provided, single submitter. Criteria: Invitae Variant Classification Sherloc (09022015). Collection method: clinical testing. Allele origin: germline.
Comment: This sequence change creates a premature translational stop signal (p.Ile597Serfs*30) in the POMT1 gene. It is expected to result in an absent or disrupted protein product. Loss-of-function variants in POMT1 are known to be pathogenic (PMID: 12369018, 15637732, 16575835). This variant is present in population databases (rs778373035, gnomAD 0.007%). This premature translational stop signal has been observed in individual(s) with POMT1-related conditions (PMID: 17559086). ClinVar contains an entry for this variant (Variation ID: 2678010). For these reasons, this variant has been classified as Pathogenic.

Baylor Genetics
Classification: Pathogenic for Muscular dystrophy-dystroglycanopathy (congenital with brain and eye anomalies), type A1. Last evaluated: 2024-03-21. Review status: criteria provided, single submitter. Criteria: ACMG Guidelines, 2015. Collection method: clinical testing. Allele origin: unknown.

Revvity Omics, Revvity
Classification: Likely pathogenic. Last evaluated: 2023-08-17. Review status: criteria provided, single submitter. Criteria: ACMG Guidelines, 2015. Collection method: clinical testing. Allele origin: germline.

Blueprint Genetics
Classification: Pathogenic for POMT1-related disorders. Last evaluated: 2023-04-18. Review status: criteria provided, single submitter. Criteria: ACMG Guidelines, 2015. Collection method: clinical testing. Allele origin: germline. Affected: yes. Observed: 4 variant alleles.

Juno Genomics, Hangzhou Juno Genomics, Inc
Classification: Pathogenic for Muscular dystrophy-dystroglycanopathy (congenital with impaired intellectual development), type B, 1; Muscular dystrophy-dystroglycanopathy (congenital with brain and eye anomalies), type A1; Autosomal recessive limb-girdle muscular dystrophy type 2K. Review status: criteria provided, single submitter. Criteria: ACMG Guidelines, 2015. Collection method: clinical testing. Allele origin: germline.
Comment: Null variant in a gene where loss of function (LOF) is a known mechanism of disease.;Absent from controls (or at extremely low frequency if recessive) in Genome Aggregation Database.;Patient's phenotype or family history is highly specific for a disease with a single genetic etiology.

Literature cited by the submitters: PubMed 12369018 (cited by Labcorp Genetics (formerly Invitae), Labcorp); PubMed 15637732 (cited by Labcorp Genetics (formerly Invitae), Labcorp); PubMed 16575835 (cited by Labcorp Genetics (formerly Invitae), Labcorp); PubMed 17559086 (cited by Labcorp Genetics (formerly Invitae), Labcorp).